The following is an entry in ClinVar:

NM_032043.3(BRIP1):c.1753G>A (p.Ala585Thr)

Gene: BRIP1 (BRCA1 interacting DNA helicase 1; minus strand). Cytogenetic location: 17q23.2.
Variant type: single nucleotide variant.
Coding change: c.1753G>A on transcript NM_032043.3 (MANE Select); coding-DNA position 1753, G replaced by A.
Protein change: p.Ala585Thr; replaces alanine 585 with threonine.
Molecular consequence: missense variant.
Genome position (GRCh38, 1-based): chr17:61,780,881, C>T on the plus strand (G>A on the coding strand, the complement: BRIP1 is on the minus strand). VCF-style: chr17-61780881-C-T. GRCh37 (hg19) VCF-style: chr17-59858242-C-T.
Other names: short protein forms A585T.
Identifiers: ClinVar variation 2946011 (VCV002946011.3), dbSNP rs1603334364, ClinGen allele CA400480327.
Genomic context (GRCh38, chr17:61,780,881, plus strand): 5'-ATTTACATGATGAGCTTACCACAGCTGGATTTAAGCACCAAAAGTTTAGCACATGAACTG[C>T]AGTTTTCTGTCGTGAACGTTTCTTATTTTTTGGTAGAACCAACAACCCATTTTTGTCTGA-3'
Protein context (NP_114432.2, residues 575-595): KNKKRSRQKT[Ala585Thr]VHVLNFWCLN

ClinVar aggregate classification (germline): Uncertain significance (1 of 4 stars; one submission).

Conditions:
Fanconi anemia complementation group J. Also called: BRIP1-Related Fanconi Anemia. Identifiers: Orphanet 84, MedGen C1836860, MONDO:0012187, OMIM 609054.
Familial cancer of breast. Also called: BREAST CANCER, FAMILIAL; Hereditary breast cancer; hereditary breast carcinoma. Identifiers: Orphanet 227535, MedGen C0346153, MONDO:0016419, OMIM 114480. Disease mechanism: loss of function.

Submission:

Labcorp Genetics (formerly Invitae), Labcorp
Classification: Uncertain significance for Familial cancer of breast; Fanconi anemia complementation group J. Last evaluated: 2023-03-31. Review status: criteria provided, single submitter. Criteria: Invitae Variant Classification Sherloc (09022015). Collection method: clinical testing. Allele origin: germline.
Comment: This sequence change replaces alanine, which is neutral and non-polar, with threonine, which is neutral and polar, at codon 585 of the BRIP1 protein (p.Ala585Thr). This variant is not present in population databases (gnomAD no frequency). In summary, the available evidence is currently insufficient to determine the role of this variant in disease. Therefore, it has been classified as a Variant of Uncertain Significance. Advanced modeling of protein sequence and biophysical properties (such as structural, functional, and spatial information, amino acid conservation, physicochemical variation, residue mobility, and thermodynamic stability) performed at Invitae indicates that this missense variant is not expected to disrupt BRIP1 protein function. This variant has not been reported in the literature in individuals affected with BRIP1-related conditions.